The following is an entry in ClinVar:

ClinVar aggregate classification (germline): Likely benign. Review status: criteria provided, single submitter (1 of 4 stars). 2 submissions from 2 submitters: Likely benign (1). 1 of the submissions does not count toward it. Last evaluated 2024-04-29.

Conditions:
SLC12A6-related disorder. Also called: SLC12A6-related condition.

Allele frequency attached by ClinVar (database versions not stated): gnomAD 0.00001.

Submissions (2):

Labcorp Genetics (formerly Invitae), Labcorp
Classification: Likely benign. Last evaluated: 2024-04-29. Review status: criteria provided, single submitter. Criteria: Invitae Variant Classification Sherloc (09022015). Collection method: clinical testing. Allele origin: germline.

PreventionGenetics, part of Exact Sciences
Classification: Likely benign for SLC12A6-related condition. Last evaluated: 2021-06-28. Review status: no assertion criteria provided. Collection method: clinical testing. Allele origin: germline. Not counted in ClinVar's aggregate classification.
Comment: This variant is classified as likely benign based on ACMG/AMP sequence variant interpretation guidelines (Richards et al. 2015 PMID: 25741868, with internal and published modifications).

NM_001365088.1(SLC12A6):c.1557T>C (p.Gly519=)

Gene: SLC12A6 (solute carrier family 12 member 6; minus strand). Cytogenetic location: 15q14.
Variant type: single nucleotide variant.
Coding change: c.1557T>C on transcript NM_001365088.1 (MANE Select); coding-DNA position 1557, T replaced by C.
Protein change: p.Gly519=; no amino-acid change (glycine 519 retained).
Molecular consequence: synonymous variant.
Genome position (GRCh38, 1-based): chr15:34,250,665, A>G on the plus strand (T>C on the coding strand, the complement: SLC12A6 is on the minus strand). VCF-style: chr15-34250665-A-G. GRCh37 (hg19) VCF-style: chr15-34542866-A-G.
Other names: c.1380T>C, p.Gly460= (NM_001042494.2, NM_001042495.2); c.1530T>C, p.Gly510= (NM_001042496.2); c.1512T>C, p.Gly504= (NM_001042497.2); c.1404T>C, p.Gly468= (NM_005135.2); c.1557T>C, p.Gly519= (NM_133647.2).
Identifiers: ClinVar variation 1940916 (VCV001940916.7), dbSNP rs1892321845, ClinGen allele CA489407609.
Genomic context (GRCh38, chr15:34,250,665, plus strand): 5'-TCAGACTGGATCCATAAAAAGGATACAAACAAAGGAGGTGGTCAGGATGGCAAGGATAGT[A>G]CCAATCGGAATAGACTTCTGAGCATCTTTCAGATCTCCAGATCTGTTTGATCCAGCCATG-3'
Protein context (NP_001352017.1, residues 509-529): LKDAQKSIPI[Gly519=]TILAILTTSF